The following is an entry in ClinVar:

ClinVar aggregate classification (germline): Uncertain significance. Review status: criteria provided, multiple submitters, no conflicts (2 of 4 stars). 2 submissions from 2 submitters: Uncertain significance (2). Last evaluated 2026-05-29.

Conditions:
ABCC2-related disorder. Also called: ABCC2-related condition.
Dubin-Johnson syndrome (DJS). Also called: HYPERBILIRUBINEMIA, DUBIN-JOHNSON TYPE; Jaundice, Chronic Idiopathic; Hyperbilirubinemia type 2. Identifiers: Orphanet 234, MedGen C0022350, MONDO:0009380, OMIM 237500.

Allele frequency attached by ClinVar (database versions not stated): TOPMed 0.00010; gnomAD 0.00013 and 0.00015; gnomAD exomes 0.00021.
gnomAD v4.1: 316 of 1,613,956 alleles (0.02%); highest among the groups gnomAD compares: Non-Finnish European, 0.025%; no homozygotes.

Submissions (2):

PreventionGenetics, part of Exact Sciences
Classification: Uncertain significance for ABCC2-related condition. Last evaluated: 2026-05-29. Review status: criteria provided, single submitter. Criteria: ACMG Guidelines, 2015. Collection method: clinical testing. Allele origin: germline.
Comment: The ABCC2 c.764G>A variant is predicted to result in the amino acid substitution p.Arg255Gln. To our knowledge, this variant has not been reported in the literature. This variant is reported in 0.023% of alleles in individuals of European (Non-Finnish) descent in gnomAD. At this time, the clinical significance of this variant is uncertain due to the absence of conclusive functional and genetic evidence.

Illumina Laboratory Services, Illumina
Classification: Uncertain significance for Dubin-Johnson syndrome. Last evaluated: 2018-01-13. Review status: criteria provided, single submitter. Criteria: ICSL Variant Classification Criteria 13 December 2019. Collection method: clinical testing. Allele origin: germline.

NM_000392.5(ABCC2):c.764G>A (p.Arg255Gln)

Gene: ABCC2 (ATP binding cassette subfamily C member 2; plus strand). Cytogenetic location: 10q24.2.
Variant type: single nucleotide variant.
Coding change: c.764G>A on transcript NM_000392.5 (MANE Select); coding-DNA position 764, G replaced by A.
Protein change: p.Arg255Gln; replaces arginine 255 with glutamine.
Molecular consequence: missense variant.
Genome position (GRCh38, 1-based): chr10:99,797,228, G>A. VCF-style: chr10-99797228-G-A. GRCh37 (hg19) VCF-style: chr10-101556985-G-A.
Other names: c.764G>A (NM_000392.4); c.764G>A, p.Arg255Gln (LRG_1208t1); short protein forms R255Q.
Identifiers: ClinVar variation 298443 (VCV000298443.6), dbSNP rs139964853, ClinGen allele CA5642989.